The following is an entry in ClinVar:

NM_003377.5(VEGFB):c.286C>G (p.Gln96Glu)

Gene: VEGFB (vascular endothelial growth factor B; plus strand). Cytogenetic location: 11q13.1.
Variant type: single nucleotide variant.
Coding change: c.286C>G on transcript NM_003377.5 (MANE Select); coding-DNA position 286, C replaced by G.
Protein change: p.Gln96Glu; replaces glutamine 96 with glutamic acid.
Molecular consequence: missense variant.
Genome position (GRCh38, 1-based): chr11:64,235,995, C>G. VCF-style: chr11-64235995-C-G. GRCh37 (hg19) VCF-style: chr11-64003467-C-G.
Other names: c.286C>G, p.Gln96Glu (NM_001243733.2); short protein forms Q96E.
Identifiers: ClinVar variation 2641909 (VCV002641909.24), dbSNP rs111555072, ClinGen allele CA6070364.
Genomic context (GRCh38, chr11:64,235,995, plus strand): 5'-CAGCGCTGTGGTGGCTGCTGCCCTGACGATGGCCTGGAGTGTGTGCCCACTGGGCAGCAC[C>G]AAGTCCGGATGCAGGTACTGGGCAGGTGGGGCAACGGGCAGGGGATGCAGGTACTGGGCA-3'
Protein context (NP_003368.1, residues 86-106): GLECVPTGQH[Gln96Glu]VRMQILMIRY

ClinVar aggregate classification (germline): Likely benign (1 of 4 stars; one submission).

Allele frequency attached by ClinVar (database versions not stated): 1000 Genomes Project 0.00160; ESP Exome Variant Server 0.00170; 1000 Genomes Project 30x 0.00172; gnomAD 0.00207; TOPMed 0.00255; ExAC 0.00383.
gnomAD v4.1: 2,967 of 1,595,476 alleles (0.19%); highest among the groups gnomAD compares: Middle Eastern, 2.1%; 24 homozygotes.

Submission:

CeGaT Center for Human Genetics Tuebingen
Classification: Likely benign. Last evaluated: 2023-11-01. Review status: criteria provided, single submitter. Criteria: CeGaT Center For Human Genetics Tuebingen Variant Classification Criteria Version 2. Collection method: clinical testing. Allele origin: germline. Affected: yes. Observed: 2 variant alleles.
Comment: VEGFB: BP4, BS2